The following is an entry in ClinVar:

NM_020778.5(ALPK3):c.2435A>G (p.Gln812Arg)

Gene: ALPK3 (alpha kinase 3; plus strand). Cytogenetic location: 15q25.3.
Variant type: single nucleotide variant.
Coding change: c.2435A>G on transcript NM_020778.5 (MANE Select); coding-DNA position 2435, A replaced by G.
Protein change: p.Gln812Arg; replaces glutamine 812 with arginine.
Molecular consequence: missense variant.
Genome position (GRCh38, 1-based): chr15:84,857,173, A>G. VCF-style: chr15-84857173-A-G. GRCh37 (hg19) VCF-style: chr15-85400404-A-G.
Other names: short protein forms Q812R.
Identifiers: ClinVar variation 4613505 (VCV004613505.2).
Genomic context (GRCh38, chr15:84,857,173, plus strand): 5'-GTCCCCTGTCAGGGAACCTCATGCTCCCAGCACAGCCGCCCCATGAGGGGAGTGTGGAGC[A>G]GGTGGGAGGAGAGAGATGCCGAGGGCCACAGTCATCAGGCCCAGTCGAGGCCAAGCAGGA-3'
Protein context (NP_065829.4, residues 802-822): AQPPHEGSVE[Gln812Arg]VGGERCRGPQ

ClinVar aggregate classification (germline): Uncertain significance. Review status: criteria provided, multiple submitters, no conflicts (2 of 4 stars). 2 submissions from 2 submitters: Uncertain significance (2). Last evaluated 2025-12-15.

Conditions:
Cardiovascular phenotype. Identifiers: MedGen CN230736.

gnomAD v4.1: 9 of 1,613,752 alleles (0.00056%); highest among the groups gnomAD compares: East Asian, 0.0022%; no homozygotes.

Submissions (2):

Labcorp Genetics (formerly Invitae), Labcorp
Classification: Uncertain significance. Last evaluated: 2025-12-15. Review status: criteria provided, single submitter. Criteria: Invitae Variant Classification Sherloc (09022015). Collection method: clinical testing. Allele origin: germline.
Comment: This sequence change replaces glutamine, which is neutral and polar, with arginine, which is basic and polar, at codon 1014 of the ALPK3 protein (p.Gln1014Arg). This variant is present in population databases (rs754319528, gnomAD 0.01%). This variant has not been reported in the literature in individuals affected with ALPK3-related conditions. Invitae Evidence Modeling of protein sequence and biophysical properties (such as structural, functional, and spatial information, amino acid conservation, physicochemical variation, residue mobility, and thermodynamic stability) indicates that this missense variant is not expected to disrupt ALPK3 protein function with a negative predictive value of 80%. In summary, the available evidence is currently insufficient to determine the role of this variant in disease. Therefore, it has been classified as a Variant of Uncertain Significance.

Ambry Genetics
Classification: Uncertain significance for Cardiovascular phenotype. Last evaluated: 2025-11-04. Review status: criteria provided, single submitter. Criteria: Ambry Variant Classification Scheme 2023. Collection method: clinical testing. Allele origin: germline.
Comment: The p.Q1014R variant (also known as c.3041A>G), located in coding exon 6 of the ALPK3 gene, results from an A to G substitution at nucleotide position 3041. The glutamine at codon 1014 is replaced by arginine, an amino acid with highly similar properties. This amino acid position is conserved. In addition, this alteration is predicted to be tolerated by in silico analysis. Based on the available evidence, the clinical significance of this variant remains unclear.